The following is an entry in ClinVar:

ClinVar aggregate classification (germline): Uncertain significance. Review status: criteria provided, multiple submitters, no conflicts (2 of 4 stars). 2 submissions from 2 submitters: Uncertain significance (2). Last evaluated 2026-08-31.

Conditions:
KMT2B-related disorder. Also called: KMT2B-related disorders; KMT2B-related condition. Identifiers: MedGen CN381338.
Inborn genetic diseases. Identifiers: MedGen C0950123, MeSH D030342.

Allele frequency attached by ClinVar (database versions not stated): gnomAD 0.00001; TOPMed 0.00002.

Submissions (2):

PreventionGenetics, part of Exact Sciences
Classification: Uncertain significance for KMT2B-related condition. Last evaluated: 2026-08-31. Review status: criteria provided, single submitter. Criteria: ACMG Guidelines, 2015. Collection method: clinical testing. Allele origin: germline.
Comment: The KMT2B c.130C>T variant is predicted to result in the amino acid substitution p.Arg44Trp. This variant is predicted to alter splicing based on available splicing prediction programs (SpliceAI, Jaganathan et al. 2019. PubMed ID: 30661751); however, the use of computer prediction programs is not equivalent to functional evidence. To our knowledge, this variant has not been reported in the literature or in a large population database (gnomAD), indicating this variant is rare and is interpreted as uncertain in ClinVar (Variation ID: 3115975). At this time, the clinical significance of this variant is uncertain due to the absence of conclusive functional and genetic evidence.

Ambry Genetics
Classification: Uncertain significance for Inborn genetic diseases. Last evaluated: 2024-01-17. Review status: criteria provided, single submitter. Criteria: Ambry Variant Classification Scheme 2023. Collection method: clinical testing. Allele origin: germline.

NM_014727.3(KMT2B):c.130C>T (p.Arg44Trp)

Genes: KMT2B (lysine methyltransferase 2B; plus strand), LOC130064258 (ATAC-STARR-seq lymphoblastoid silent region 10535; plus strand). Cytogenetic location: 19q13.12.
Variant type: single nucleotide variant.
Coding change: c.130C>T on transcript NM_014727.3 (MANE Select); coding-DNA position 130, C replaced by T.
Protein change: p.Arg44Trp; replaces arginine 44 with tryptophan.
Molecular consequence: missense variant.
Genome position (GRCh38, 1-based): chr19:35,718,148, C>T. VCF-style: chr19-35718148-C-T. GRCh37 (hg19) VCF-style: chr19-36209050-C-T.
Other names: c.130C>T (NM_014727.2); short protein forms R44W.
Identifiers: ClinVar variation 3115975 (VCV003115975.2), dbSNP rs1021262429, ClinGen allele CA307779919.